The following is an entry in ClinVar:

ClinVar aggregate classification (germline): Uncertain significance (1 of 4 stars; one submission).

gnomAD v4.1: 6 of 1,612,174 alleles (0.00037%); highest among the groups gnomAD compares: Admixed American, 0.0084%; no homozygotes.

Submission:

Labcorp Genetics (formerly Invitae), Labcorp
Classification: Uncertain significance. Last evaluated: 2025-06-04. Review status: criteria provided, single submitter. Criteria: Invitae Variant Classification Sherloc (09022015). Collection method: clinical testing. Allele origin: germline.
Comment: This sequence change falls in intron 6 of the CARMIL2 gene. It does not directly change the encoded amino acid sequence of the CARMIL2 protein. It affects a nucleotide within the consensus splice site. This variant is present in population databases (rs751979632, gnomAD 0.01%). This variant has not been reported in the literature in individuals affected with CARMIL2-related conditions. ClinVar contains an entry for this variant (Variation ID: 3693804). Variants that disrupt the consensus splice site are a relatively common cause of aberrant splicing (PMID: 17576681, 9536098). Algorithms developed to predict the effect of sequence changes on RNA splicing suggest that this variant is not likely to affect RNA splicing. In summary, the available evidence is currently insufficient to determine the role of this variant in disease. Therefore, it has been classified as a Variant of Uncertain Significance.

Literature cited by the submitters: PubMed 17576681; PubMed 9536098.

NM_001013838.3(CARMIL2):c.466+6G>A

Gene: CARMIL2 (capping protein regulator and myosin 1 linker 2; plus strand). Cytogenetic location: 16q22.1.
Variant type: single nucleotide variant.
Coding change: c.466+6G>A on transcript NM_001013838.3 (MANE Select); 6 bases into the intron after coding-DNA position 466, G replaced by A.
Molecular consequence: intron variant.
Genome position (GRCh38, 1-based): chr16:67,646,523, G>A. VCF-style: chr16-67646523-G-A. GRCh37 (hg19) VCF-style: chr16-67680426-G-A.
Other names: c.466+6G>A (NM_001317026.3).
Identifiers: ClinVar variation 3693804 (VCV003693804.2).